The following is an entry in ClinVar:

NM_001384950.1(NLRC5):c.*3G>A

Gene: NLRC5 (NLR family CARD domain containing 5; plus strand). Cytogenetic location: 16q13.
Variant type: single nucleotide variant.
Coding change: c.*3G>A on transcript NM_001384950.1 (MANE Select); 3 bases downstream of the stop codon, G replaced by A.
Molecular consequence: 3 prime UTR variant. On other transcripts: non-coding transcript variant (8).
Genome position (GRCh38, 1-based): chr16:57,082,531, G>A. VCF-style: chr16-57082531-G-A. GRCh37 (hg19) VCF-style: chr16-57116443-G-A.
Other names: c.*3G>A (NM_001330552.2, NM_001384951.1, NM_001384952.1 and 9 more transcripts).
Identifiers: ClinVar variation 103153 (VCV000103153.2), dbSNP rs199476023, ClinGen allele CA230195.

ClinVar aggregate classification (germline): not provided (0 of 4 stars; one submission).

Allele frequency attached by ClinVar (database versions not stated): gnomAD 0.00117 and 0.00199; ESP Exome Variant Server 0.00131; TOPMed 0.00159; gnomAD exomes 0.00308 and 0.00596; 1000 Genomes Project 30x 0.00531; 1000 Genomes Project 0.00599; ExAC 0.00638.

Submission:

Human Evolutionary Genetics, Institut Pasteur
No classification provided. Review status: no classification provided. Collection method: not provided. Allele origin: germline.
ClinVar note: Converted during submission from untested to not provided.